The following is an entry in ClinVar:

NM_021784.5(FOXA2):c.285C>T (p.Gly95=)

Gene: FOXA2 (forkhead box A2; minus strand). Cytogenetic location: 20p11.21.
Variant type: single nucleotide variant.
Coding change: c.285C>T on transcript NM_021784.5 (MANE Select); coding-DNA position 285, C replaced by T.
Protein change: p.Gly95=; no amino-acid change (glycine 95 retained).
Molecular consequence: synonymous variant.
Genome position (GRCh38, 1-based): chr20:22,582,957, G>A on the plus strand (C>T on the coding strand, the complement: FOXA2 is on the minus strand). VCF-style: chr20-22582957-G-A. GRCh37 (hg19) VCF-style: chr20-22563595-G-A.
Other names: c.267C>T, p.Gly89= (NM_153675.3).
Identifiers: ClinVar variation 4799193 (VCV004799193.1).

ClinVar aggregate classification (germline): Uncertain significance (1 of 4 stars; one submission).

gnomAD v4.1: 6 of 1,596,368 alleles (0.00038%); highest among the groups gnomAD compares: Admixed American, 0.0034%; no homozygotes.

Submission:

Labcorp Genetics (formerly Invitae), Labcorp
Classification: Uncertain significance. Last evaluated: 2025-06-10. Review status: criteria provided, single submitter. Criteria: Invitae Variant Classification Sherloc (09022015). Collection method: clinical testing. Allele origin: germline.
Comment: This sequence change affects codon 95 of the FOXA2 mRNA. It is a 'silent' change, meaning that it does not change the encoded amino acid sequence of the FOXA2 protein. This variant is present in population databases (rs780546461, gnomAD 0.006%). This variant has not been reported in the literature in individuals affected with FOXA2-related conditions. Algorithms developed to predict the effect of sequence changes on RNA splicing suggest that this variant may create or strengthen a splice site. In summary, the available evidence is currently insufficient to determine the role of this variant in disease. Therefore, it has been classified as a Variant of Uncertain Significance.